The following is an entry in ClinVar:

NM_006514.4(SCN10A):c.1660C>A (p.Leu554Ile)

Gene: SCN10A (sodium voltage-gated channel alpha subunit 10; minus strand). Cytogenetic location: 3p22.2.
Variant type: single nucleotide variant.
Coding change: c.1660C>A on transcript NM_006514.4 (MANE Select); coding-DNA position 1660, C replaced by A.
Protein change: p.Leu554Ile; replaces leucine 554 with isoleucine.
Molecular consequence: missense variant. On other transcripts: intron variant (1).
Genome position (GRCh38, 1-based): chr3:38,752,314, G>T on the plus strand (C>A on the coding strand, the complement: SCN10A is on the minus strand). VCF-style: chr3-38752314-G-T. GRCh37 (hg19) VCF-style: chr3-38793805-G-T.
Other names: c.1660C>A, p.Leu554Ile (NM_001293306.2); c.1462-2130C>A (NM_001293307.2); short protein forms L554I.
Identifiers: ClinVar variation 1480089 (VCV001480089.8), dbSNP rs2126023579, ClinGen allele CA352167270.

ClinVar aggregate classification (germline): Uncertain significance (1 of 4 stars; one submission).

Conditions:
Brugada syndrome. Also called: Sudden unexpected nocturnal death syndrome; Sudden unexplained nocturnal death syndrome; Sudden Unexplained Death Syndrome; Sudden Unexplained Nocturnal Death Syndrome (SUNDS). Identifiers: Orphanet 130, MedGen C1142166, MONDO:0015263.

gnomAD v4.1: 3 of 1,611,098 alleles (0.00019%); highest among the groups gnomAD compares: Admixed American, 0.0034%; no homozygotes.

Submission:

Labcorp Genetics (formerly Invitae), Labcorp
Classification: Uncertain significance for Brugada syndrome. Last evaluated: 2023-11-27. Review status: criteria provided, single submitter. Criteria: Invitae Variant Classification Sherloc (09022015). Collection method: clinical testing. Allele origin: germline.
Comment: This sequence change replaces leucine, which is neutral and non-polar, with isoleucine, which is neutral and non-polar, at codon 554 of the SCN10A protein (p.Leu554Ile). This variant is not present in population databases (gnomAD no frequency). This variant has not been reported in the literature in individuals affected with SCN10A-related conditions. ClinVar contains an entry for this variant (Variation ID: 1480089). Advanced modeling of protein sequence and biophysical properties (such as structural, functional, and spatial information, amino acid conservation, physicochemical variation, residue mobility, and thermodynamic stability) performed at Invitae indicates that this missense variant is not expected to disrupt SCN10A protein function with a negative predictive value of 95%. In summary, the available evidence is currently insufficient to determine the role of this variant in disease. Therefore, it has been classified as a Variant of Uncertain Significance.